The following is an entry in ClinVar:

NM_000090.4(COL3A1):c.3160C>A (p.Pro1054Thr)

Gene: COL3A1 (collagen type III alpha 1 chain; plus strand). Cytogenetic location: 2q32.2.
Variant type: single nucleotide variant.
Coding change: c.3160C>A on transcript NM_000090.4 (MANE Select); coding-DNA position 3160, C replaced by A.
Protein change: p.Pro1054Thr; replaces proline 1054 with threonine.
Molecular consequence: missense variant.
Genome position (GRCh38, 1-based): chr2:189,006,411, C>A. VCF-style: chr2-189006411-C-A. GRCh37 (hg19) VCF-style: chr2-189871137-C-A.
Other names: short protein forms P1054T.
Identifiers: ClinVar variation 3386479 (VCV003386479.1).

ClinVar aggregate classification (germline): Uncertain significance (1 of 4 stars; one submission).

Conditions:
Ehlers-Danlos syndrome, type 4 (EDSVASC). Also called: Ehlers-Danlos syndrome vascular type; Ehlers Danlos syndrome, ecchymotic type; Ehlers Danlos syndrome, arterial type; Ehlers Danlos syndrome, Sack-Barabas type; Ehlers-Danlos Syndrome Type IV. Identifiers: Orphanet 286, MedGen C0268338, MONDO:0017314, OMIM 130050.

Submission:

All of Us Research Program, National Institutes of Health
Classification: Uncertain significance for Ehlers-Danlos syndrome, type 4. Last evaluated: 2024-05-09. Review status: criteria provided, single submitter. Criteria: ACMG Guidelines, 2015. Collection method: clinical testing. Allele origin: germline. Inheritance: Autosomal dominant inheritance. Observed: 1 variant allele, 1 heterozygote.
Comment: This study involves interpretation of variants in research participants for the purpose of population health screening. Participant phenotype was not available at the time of variant classification. Additional details can be found in publication PMID: 35346344, PMCID: PMC8962531